The following is an entry in ClinVar:

NM_001105206.3(LAMA4):c.4821+219C>G

Gene: LAMA4 (laminin subunit alpha 4; minus strand). Cytogenetic location: 6q21.
Variant type: single nucleotide variant.
Coding change: c.4821+219C>G on transcript NM_001105206.3 (MANE Select); 219 bases into the intron after coding-DNA position 4821, C replaced by G.
Molecular consequence: intron variant.
Genome position (GRCh38, 1-based): chr6:112,118,937, G>C on the plus strand (C>G on the coding strand, the complement: LAMA4 is on the minus strand). VCF-style: chr6-112118937-G-C. GRCh37 (hg19) VCF-style: chr6-112440140-G-C.
Other names: c.4800+219C>G (NM_002290.5, NM_001105207.3).
Identifiers: ClinVar variation 672740 (VCV000672740.1), dbSNP rs73543603, ClinGen allele CA144882206.
Genomic context (GRCh38, chr6:112,118,937, plus strand): 5'-TAAGATCTCCTTGAGACATAAATTTTCATGATAATTTATGCCTCTGAAACTTTTTCATTT[G>C]ACATCTACCTTAGAATTGAAAGATTACTTCTGACTTTGTAATGCCACAGGGCAGACAGGC-3'

ClinVar aggregate classification (germline): Benign (1 of 4 stars; one submission).

Allele frequency attached by ClinVar (database versions not stated): gnomAD 0.06397 and 0.06882; 1000 Genomes Project 0.06669; 1000 Genomes Project 30x 0.07230; TOPMed 0.07250.
gnomAD v4.1: 9,639 of 152,062 alleles (6.3%); highest among the groups gnomAD compares: African/African-American, 22%; 991 homozygotes.

Submission:

GeneDx
Classification: Benign. Last evaluated: 2018-06-19. Review status: criteria provided, single submitter. Criteria: GeneDx Variant Classification (06012015). Collection method: clinical testing. Allele origin: germline. Affected: yes.
Comment: This variant is considered likely benign or benign based on one or more of the following criteria: it is a conservative change, it occurs at a poorly conserved position in the protein, it is predicted to be benign by multiple in silico algorithms, and/or has population frequency not consistent with disease.